The following is an entry in ClinVar:

ClinVar aggregate classification (germline): Uncertain significance. Review status: criteria provided, multiple submitters, no conflicts (2 of 4 stars). 2 submissions from 2 submitters: Uncertain significance (2). Last evaluated 2023-12-28.

Conditions:
Inborn genetic diseases. Identifiers: MedGen C0950123, MeSH D030342.

Allele frequency attached by ClinVar (database versions not stated): gnomAD exomes below 0.00001.
gnomAD v4.1: 1 of 1,614,102 alleles (0.000062%); highest among the groups gnomAD compares: Non-Finnish European, 0.000085%; no homozygotes.

Submissions (2):

Ambry Genetics
Classification: Uncertain significance for Inborn genetic diseases. Last evaluated: 2023-12-28. Review status: criteria provided, single submitter. Criteria: Ambry Variant Classification Scheme 2023. Collection method: clinical testing. Allele origin: germline.

Labcorp Genetics (formerly Invitae), Labcorp
Classification: Uncertain significance. Last evaluated: 2021-12-01. Review status: criteria provided, single submitter. Criteria: Invitae Variant Classification Sherloc (09022015). Collection method: clinical testing. Allele origin: germline.
Comment: This sequence change replaces asparagine, which is neutral and polar, with lysine, which is basic and polar, at codon 3709 of the USH2A protein (p.Asn3709Lys). This variant is not present in population databases (gnomAD no frequency). This variant has not been reported in the literature in individuals affected with USH2A-related conditions. Algorithms developed to predict the effect of missense changes on protein structure and function (SIFT, PolyPhen-2, Align-GVGD) all suggest that this variant is likely to be disruptive. In summary, the available evidence is currently insufficient to determine the role of this variant in disease. Therefore, it has been classified as a Variant of Uncertain Significance.

NM_206933.4(USH2A):c.11127T>G (p.Asn3709Lys)

Gene: USH2A (usherin; minus strand). Cytogenetic location: 1q41.
Variant type: single nucleotide variant.
Coding change: c.11127T>G on transcript NM_206933.4 (MANE Select); coding-DNA position 11127, T replaced by G.
Protein change: p.Asn3709Lys; replaces asparagine 3709 with lysine.
Molecular consequence: missense variant.
Genome position (GRCh38, 1-based): chr1:215,759,764, A>C on the plus strand (T>G on the coding strand, the complement: USH2A is on the minus strand). VCF-style: chr1-215759764-A-C. GRCh37 (hg19) VCF-style: chr1-215933106-A-C.
Other names: c.11127T>G (NM_206933.2); short protein forms N3709K.
Identifiers: ClinVar variation 1381557 (VCV001381557.4), dbSNP rs149260119, ClinGen allele CA344822962.
Genomic context (GRCh38, chr1:215,759,764, plus strand): 5'-ACTGCCACCCAGGAAAAGCAAGTTTCCATTACGACTCAATTGATATTGAGAAACGAGGCC[A>C]TTGGGCTTTTCTGGCAGACTCCAATATAATTCCACTGTTGTAGAATTGATGATAATGTGT-3'
Protein context (NP_996816.3, residues 3699-3719): ELYWSLPEKP[Asn3709Lys]GLVSQYQLSR